The following is an entry in ClinVar:

ClinVar aggregate classification (germline): Uncertain significance. Review status: criteria provided, multiple submitters, no conflicts (2 of 4 stars). 4 submissions from 4 submitters: Uncertain significance (4). Last evaluated 2025-03-25.

Conditions:
Retinitis pigmentosa 38 (RP38). Also called: ROD-CONE DYSTROPHY, CHILDHOOD-ONSET. Identifiers: Orphanet 791, MedGen C3151228, MONDO:0013469, OMIM 613862.
Inborn genetic diseases. Identifiers: MedGen C0950123, MeSH D030342.

gnomAD v4.1: 31 of 1,613,650 alleles (0.0019%); highest among the groups gnomAD compares: East Asian, 0.011%; no homozygotes.

Submissions (4):

Revvity Omics, Revvity
Classification: Uncertain significance for Retinitis pigmentosa 38. Last evaluated: 2025-03-25. Review status: criteria provided, single submitter. Criteria: ACMG Guidelines, 2015. Collection method: clinical testing. Allele origin: germline.

Labcorp Genetics (formerly Invitae), Labcorp
Classification: Uncertain significance. Last evaluated: 2024-04-10. Review status: criteria provided, single submitter. Criteria: Invitae Variant Classification Sherloc (09022015). Collection method: clinical testing. Allele origin: germline.
Comment: This sequence change replaces arginine, which is basic and polar, with proline, which is neutral and non-polar, at codon 557 of the MERTK protein (p.Arg557Pro). This variant is present in population databases (rs374078768, gnomAD 0.02%). This variant has not been reported in the literature in individuals affected with MERTK-related conditions. ClinVar contains an entry for this variant (Variation ID: 866874). Advanced modeling of protein sequence and biophysical properties (such as structural, functional, and spatial information, amino acid conservation, physicochemical variation, residue mobility, and thermodynamic stability) performed at Invitae indicates that this missense variant is expected to disrupt MERTK protein function with a positive predictive value of 80%. In summary, the available evidence is currently insufficient to determine the role of this variant in disease. Therefore, it has been classified as a Variant of Uncertain Significance.

Ambry Genetics
Classification: Uncertain significance for Inborn genetic diseases. Last evaluated: 2023-10-14. Review status: criteria provided, single submitter. Criteria: Ambry Variant Classification Scheme 2023. Collection method: clinical testing. Allele origin: germline.

Blueprint Genetics
Classification: Uncertain significance. Last evaluated: 2022-12-14. Review status: criteria provided, single submitter. Criteria: ACMG Guidelines, 2015. Collection method: clinical testing. Allele origin: germline.

NM_006343.3(MERTK):c.1670G>C (p.Arg557Pro)

Gene: MERTK (MER proto-oncogene, tyrosine kinase; plus strand). Cytogenetic location: 2q13.
Variant type: single nucleotide variant.
Coding change: c.1670G>C on transcript NM_006343.3 (MANE Select); coding-DNA position 1670, G replaced by C.
Protein change: p.Arg557Pro; replaces arginine 557 with proline.
Molecular consequence: missense variant.
Genome position (GRCh38, 1-based): chr2:112,001,266, G>C. VCF-style: chr2-112001266-G-C. GRCh37 (hg19) VCF-style: chr2-112758843-G-C.
Other names: short protein forms R557P.
Identifiers: ClinVar variation 866874 (VCV000866874.10), dbSNP rs374078768, ClinGen allele CA53576975.